The following is an entry in ClinVar:

NM_001042492.3(NF1):c.6428-3C>G

Gene: NF1 (neurofibromin 1; plus strand). Cytogenetic location: 17q11.2.
Variant type: single nucleotide variant.
Coding change: c.6428-3C>G on transcript NM_001042492.3 (MANE Select); 3 bases into the intron before coding-DNA position 6428, C replaced by G.
Molecular consequence: intron variant.
Genome position (GRCh38, 1-based): chr17:31,337,365, C>G. VCF-style: chr17-31337365-C-G. GRCh37 (hg19) VCF-style: chr17-29664383-C-G.
Other names: c.6365-3C>G (NM_000267.4); c.6428-3C>G (NM_001042492.2).
Identifiers: ClinVar variation 816775 (VCV000816775.17), dbSNP rs374014162, ClinGen allele CA915949933.

ClinVar aggregate classification (germline): Pathogenic/Likely pathogenic. Review status: criteria provided, multiple submitters, no conflicts (2 of 4 stars). 7 submissions from 7 submitters: Pathogenic (5); Likely pathogenic (2). Last evaluated 2026-04-01.

Conditions:
NF1-related disorder. Also called: NF1-related condition. Identifiers: MedGen CN379171.
Neurofibromatosis, type 1 (NF1). Also called: VON RECKLINGHAUSEN DISEASE; Peripheral type neurofibromatosis; NEUROFIBROMATOSIS, TYPE I, SOMATIC; Neurofibromatosis, type I. Identifiers: Orphanet 636, MedGen C0027831, MONDO:0018975, OMIM 162200. Disease mechanism: loss of function.

gnomAD v4.1: 1 of 1,605,228 alleles (0.000062%); highest among the groups gnomAD compares: Non-Finnish European, 0.000085%; no homozygotes.

Submissions (7):

Department of Genetics, Sultan Qaboos University Hospital
Classification: Pathogenic for Neurofibromatosis, type 1. Last evaluated: 2026-04-01. Review status: criteria provided, single submitter. Criteria: ACMG Guidelines, 2015. Collection method: clinical testing. Allele origin: germline. Affected: yes. Observed: 1 variant allele.
Comment: PM2,PP3,PP5_Very_Strong

GeneDx
Classification: Pathogenic. Last evaluated: 2025-11-05. Review status: criteria provided, single submitter. Criteria: GeneDx Variant Classification Process June 2021. Collection method: clinical testing. Allele origin: germline. Affected: yes.
Comment: Non-canonical splice site variant demonstrated to result in skipping of exon 42 (PMID: 18546366); Not observed at significant frequency in large population cohorts (gnomAD); This variant is associated with the following publications: (PMID: 25525159, 18546366, 24232412, 32126153, 30308447, 40225167)

Labcorp Genetics (formerly Invitae), Labcorp
Classification: Pathogenic for Neurofibromatosis, type 1. Last evaluated: 2025-05-26. Review status: criteria provided, single submitter. Criteria: Invitae Variant Classification Sherloc (09022015). Collection method: clinical testing. Allele origin: germline.
Comment: This sequence change falls in intron 41 of the NF1 gene. It does not directly change the encoded amino acid sequence of the NF1 protein. It affects a nucleotide within the consensus splice site. This variant is not present in population databases (gnomAD no frequency). This variant has been observed in individual(s) with clinical features of neurofibromatosis type I (PMID: 18546366, 24232412, 30308447; internal data). Invitae Evidence Modeling of clinical and family history, age, sex, and reported ancestry of multiple individuals with this NF1 variant has been performed. This variant is expected to be pathogenic with a positive predictive value of at least 99%. This is a validated machine learning model that incorporates the clinical features of 1,785,918 individuals referred to our laboratory for NF1 testing. This variant is also known as c.6428-3C>G. ClinVar contains an entry for this variant (Variation ID: 816775). Variants that disrupt the consensus splice site are a relatively common cause of aberrant splicing (PMID: 17576681, 9536098). Algorithms developed to predict the effect of sequence changes on RNA splicing suggest that this variant may disrupt the consensus splice site. For these reasons, this variant has been classified as Pathogenic.

Blueprint Genetics
Classification: Pathogenic for NF1-related disorders. Last evaluated: 2024-11-19. Review status: criteria provided, single submitter. Criteria: ACMG Guidelines, 2015. Collection method: clinical testing. Allele origin: germline. Affected: yes. Observed: 1 variant allele.

Genome-Nilou Lab
Classification: Likely pathogenic for Neurofibromatosis, type 1. Last evaluated: 2022-03-15. Review status: criteria provided, single submitter. Criteria: ACMG Guidelines, 2015. Collection method: clinical testing. Allele origin: germline. Affected: no.

Institute of Medical Genetics and Applied Genomics, University Hospital Tübingen
Classification: Likely pathogenic. Last evaluated: 2020-10-23. Review status: criteria provided, single submitter. Criteria: ACMG Guidelines, 2015. Collection method: clinical testing. Allele origin: germline. Inheritance: Unknown mechanism. Affected: yes.

UAB Medical Genomics Laboratory, UAB Medicine
Classification: Pathogenic for Neurofibromatosis, type 1. Last evaluated: 2020-01-20. Review status: criteria provided, single submitter. Criteria: ACMG Guidelines, 2015. Collection method: clinical testing. Allele origin: germline. Affected: yes.

Literature cited by the submitters: PubMed 18546366 (cited by Labcorp Genetics (formerly Invitae), Labcorp); PubMed 24232412 (cited by Labcorp Genetics (formerly Invitae), Labcorp); PubMed 30308447 (cited by Labcorp Genetics (formerly Invitae), Labcorp); PubMed 17576681 (cited by Labcorp Genetics (formerly Invitae), Labcorp); PubMed 9536098 (cited by Labcorp Genetics (formerly Invitae), Labcorp); PubMed 32126153 (cited by UAB Medical Genomics Laboratory, UAB Medicine).